The following is an entry in ClinVar:

ClinVar aggregate classification (germline): Uncertain significance (1 of 4 stars; one submission).

Submission:

CeGaT Center for Human Genetics Tuebingen
Classification: Uncertain significance. Last evaluated: 2026-09-01. Review status: criteria provided, single submitter. Criteria: CeGaT Center For Human Genetics Tuebingen Variant Classification Criteria Version 2. Collection method: clinical testing. Allele origin: germline. Affected: yes. Observed: 1 variant allele.
Comment: DIAPH1: PM1, PM2, PM5:Supporting

NM_005219.5(DIAPH1):c.794C>G (p.Ala265Gly)

Gene: DIAPH1 (diaphanous related formin 1; minus strand). Cytogenetic location: 5q31.3.
Variant type: single nucleotide variant.
Coding change: c.794C>G on transcript NM_005219.5 (MANE Select); coding-DNA position 794, C replaced by G.
Protein change: p.Ala265Gly; replaces alanine 265 with glycine.
Molecular consequence: missense variant.
Genome position (GRCh38, 1-based): chr5:141,580,774, G>C on the plus strand (C>G on the coding strand, the complement: DIAPH1 is on the minus strand). VCF-style: chr5-141580774-G-C. GRCh37 (hg19) VCF-style: chr5-140960341-G-C.
Other names: c.767C>G, p.Ala256Gly (NM_001079812.3); c.794C>G, p.Ala265Gly (NM_001314007.2); short protein forms A256G, A265G.
Identifiers: ClinVar variation 5041791 (VCV005041791.1).